The following is an entry in ClinVar:

NM_018558.4(GABRQ):c.535A>G (p.Thr179Ala)

Genes: GABRQ (gamma-aminobutyric acid type A receptor subunit theta; plus strand), MAGEA3-DT (MAGEA3 divergent transcript; minus strand). Cytogenetic location: Xq28.
Variant type: single nucleotide variant.
Coding change: c.535A>G on transcript NM_018558.4 (MANE Select); coding-DNA position 535, A replaced by G.
Protein change: p.Thr179Ala; replaces threonine 179 with alanine.
Molecular consequence: missense variant.
Genome position (GRCh38, 1-based): chrX:152,649,258, A>G. VCF-style: chrX-152649258-A-G. GRCh37 (hg19) VCF-style: chrX-151817721-A-G.
Other names: c.535A>G (NM_018558.2); short protein forms T179A.
Identifiers: ClinVar variation 2661668 (VCV002661668.24), dbSNP rs782296530, ClinGen allele CA10543501.

ClinVar aggregate classification (germline): Conflicting classifications of pathogenicity. Review status: criteria provided, conflicting classifications (1 of 4 stars). 2 submissions from 2 submitters: Uncertain significance (1); Likely benign (1). Last evaluated 2024-12-11.

Allele frequency attached by ClinVar (database versions not stated): ExAC 0.00001; gnomAD 0.00002; gnomAD exomes 0.00002; TOPMed 0.00002.
gnomAD v4.1: 23 of 1,182,174 alleles (0.0019%); highest among the groups gnomAD compares: Non-Finnish European, 0.0024%; no homozygotes.

Submissions (2):

Ambry Genetics
Classification: Uncertain significance. Last evaluated: 2024-12-11. Review status: criteria provided, single submitter. Criteria: Ambry Variant Classification Scheme 2023. Collection method: clinical testing. Allele origin: germline.

CeGaT Center for Human Genetics Tuebingen
Classification: Likely benign. Last evaluated: 2022-11-01. Review status: criteria provided, single submitter. Criteria: CeGaT Center For Human Genetics Tuebingen Variant Classification Criteria Version 2. Collection method: clinical testing. Allele origin: germline. Affected: yes. Observed: 1 variant allele.
Comment: ENSG00000287394: BS2; GABRQ: BP4, BS2